The following is an entry in ClinVar:

NM_000540.3(RYR1):c.13545C>T (p.Pro4515=)

Gene: RYR1 (ryanodine receptor 1; plus strand). Cytogenetic location: 19q13.2.
Variant type: single nucleotide variant.
Coding change: c.13545C>T on transcript NM_000540.3 (MANE Select); coding-DNA position 13545, C replaced by T.
Protein change: p.Pro4515=; no amino-acid change (proline 4515 retained).
Molecular consequence: synonymous variant.
Genome position (GRCh38, 1-based): chr19:38,567,803, C>T. VCF-style: chr19-38567803-C-T. GRCh37 (hg19) VCF-style: chr19-39058443-C-T.
Other names: c.13530C>T, p.Pro4510= (NM_001042723.2).
Identifiers: ClinVar variation 1576586 (VCV001576586.10), dbSNP rs1374723358, ClinGen allele CA507244337.
Genomic context (GRCh38, chr19:38,567,803, plus strand): 5'-CTCCTGACCTCTCTCTGTCCTGCCCTGCAGTGCCGAGAATGGGGAGAAGGAAGAAGTTCC[C>T]GAGCCCACACCAGAGCCCCCCAAGAAGCAAGCACCTCCCTCACCCCCTCCAAAGAAGGAG-3'
Protein context (NP_000531.2, residues 4505-4525): DAENGEKEEV[Pro4515=]EPTPEPPKKQ

ClinVar aggregate classification (germline): Likely benign. Review status: criteria provided, multiple submitters, no conflicts (2 of 4 stars). 3 submissions from 3 submitters: Likely benign (3). Last evaluated 2023-12-18.

Conditions:
Malignant hyperthermia, susceptibility to, 1 (MHS1). Also called: RYR1-Related Malignant Hyperthermia Susceptibility; Anesthesia related hyperthermia; Malignant hyperpyrexia; Fulminating hyperpyrexia; Pharmacogenic myopathy; Malignant hyperthermia suceptibility 1. Identifiers: Orphanet 423, MedGen C2930980, MONDO:0007783, OMIM 145600.
RYR1-related disorder. Also called: RYR1-related condition; RYR1-related disorders. Identifiers: MedGen CN239331.

Allele frequency attached by ClinVar (database versions not stated): gnomAD exomes 0.00001; TOPMed 0.00001; gnomAD 0.00002.
gnomAD v4.1: 12 of 1,614,010 alleles (0.00074%); highest among the groups gnomAD compares: Middle Eastern, 0.016%; no homozygotes.

Submissions (3):

All of Us Research Program, National Institutes of Health
Classification: Likely benign for Malignant hyperthermia, susceptibility to, 1. Last evaluated: 2023-12-18. Review status: criteria provided, single submitter. Criteria: ACMG Guidelines, 2015. Collection method: clinical testing. Allele origin: germline. Inheritance: Autosomal dominant inheritance. Observed: 1 variant allele, 1 heterozygote.
Comment: This study involves interpretation of variants in research participants for the purpose of population health screening. Participant phenotype was not available at the time of variant classification. Additional details can be found in publication PMID: 35346344, PMCID: PMC8962531

Color Diagnostics, LLC DBA Color Health
Classification: Likely benign for Malignant hyperthermia, susceptibility to, 1. Last evaluated: 2023-11-29. Review status: criteria provided, single submitter. Criteria: ACMG Guidelines, 2015. Collection method: clinical testing. Allele origin: germline.

Labcorp Genetics (formerly Invitae), Labcorp
Classification: Likely benign for RYR1-related disorder. Last evaluated: 2023-09-19. Review status: criteria provided, single submitter. Criteria: Invitae Variant Classification Sherloc (09022015). Collection method: clinical testing. Allele origin: germline.